The following is an entry in ClinVar:

ClinVar aggregate classification (germline): Uncertain significance (1 of 4 stars; one submission).

Conditions:
Primary ciliary dyskinesia. Also called: Ciliary dyskinesia. Identifiers: Orphanet 244, MedGen C0008780, MONDO:0016575, HP:0012265.

Submission:

Labcorp Genetics (formerly Invitae), Labcorp
Classification: Uncertain significance for Primary ciliary dyskinesia. Last evaluated: 2020-09-14. Review status: criteria provided, single submitter. Criteria: Invitae Variant Classification Sherloc (09022015). Collection method: clinical testing. Allele origin: germline.
Comment: Advanced modeling of protein sequence and biophysical properties (such as structural, functional, and spatial information, amino acid conservation, physicochemical variation, residue mobility, and thermodynamic stability) performed at Invitae indicates that this missense variant is not expected to disrupt DNAH11 protein function. This variant has not been reported in the literature in individuals with DNAH11-related conditions. This variant is not present in population databases (ExAC no frequency). This sequence change replaces valine with glycine at codon 1696 of the DNAH11 protein (p.Val1696Gly). The valine residue is weakly conserved and there is a moderate physicochemical difference between valine and glycine. In summary, the available evidence is currently insufficient to determine the role of this variant in disease. Therefore, it has been classified as a Variant of Uncertain Significance.

NM_001277115.2(DNAH11):c.5087T>G (p.Val1696Gly)

Gene: DNAH11 (dynein axonemal heavy chain 11; plus strand). Cytogenetic location: 7p15.3.
Variant type: single nucleotide variant.
Coding change: c.5087T>G on transcript NM_001277115.2 (MANE Select); coding-DNA position 5087, T replaced by G.
Protein change: p.Val1696Gly; replaces valine 1696 with glycine.
Molecular consequence: missense variant.
Genome position (GRCh38, 1-based): chr7:21,655,974, T>G. VCF-style: chr7-21655974-T-G. GRCh37 (hg19) VCF-style: chr7-21695592-T-G.
Other names: short protein forms V1696G.
Identifiers: ClinVar variation 1021301 (VCV001021301.9), dbSNP rs781408519, ClinGen allele CA366938359.
Genomic context (GRCh38, chr7:21,655,974, plus strand): 5'-CAGTTGGAATGTACAGCAAAGAAAAGGAGTATGTCCCATTCCAAGCCGAGTGTGAATGTG[T>G]GGGCCATGTAAGATTTGATTATGAGGTTTTCTATGCTAGGGGAGTATTTTCAGCATGCTC-3'
Protein context (NP_001264044.1, residues 1686-1706): YVPFQAECEC[Val1696Gly]GHVETWLLQL